The following is an entry in ClinVar:

NC_000011.10:g.2002897G>A

Genes: H19 (H19 imprinted maternally expressed transcript; minus strand), H19-ICR (H19/IGF2 imprinting control region; plus strand), MRPL23 (mitochondrial ribosomal protein L23; plus strand). Cytogenetic location: 11p15.5.
Variant type: single nucleotide variant.
Molecular consequence: intron variant (on NM_001400176.1).
Genome position: GRCh38 VCF-style: chr11-2002897-G-A. GRCh37 (hg19) VCF-style: chr11-2024127-G-A.
Other names: c.498-8644G>A (NM_001400176.1).
Identifiers: ClinVar variation 4981981 (VCV004981981.1).
Genomic context (GRCh38, chr11:2,002,897, plus strand): 5'-TCTCCCCAACCTTCAACAATGCACCCTGGGGTGAATCAAACACATAGCCCGATGTTAGTC[G>A]CATGAGTGTCTATCTCTGACAACCCTCGGGAACCAATGCGGCACCTGGCCTGGGAGACCT-3'

ClinVar aggregate classification (germline): Likely benign (1 of 4 stars; one submission).

Conditions:
H19-related disorder. Also called: H19-related condition.

Submission:

PreventionGenetics, part of Exact Sciences
Classification: Likely benign for H19-related condition. Last evaluated: 2024-12-26. Review status: criteria provided, single submitter. Criteria: ACMG Guidelines, 2015. Collection method: clinical testing. Allele origin: germline.
Comment: This variant is classified as likely benign based on ACMG/AMP sequence variant interpretation guidelines (Richards et al. 2015 PMID: 25741868, with internal and published modifications).